The following is an entry in ClinVar:

ClinVar aggregate classification (germline): Benign/Likely benign. Review status: criteria provided, multiple submitters, no conflicts (2 of 4 stars). 3 submissions from 3 submitters: Benign (1); Likely benign (1). 1 of the submissions does not count toward it. Last evaluated 2024-11-21.

Conditions:
RYR3-related disorder. Also called: RYR3-related condition.
Epileptic encephalopathy. Identifiers: MedGen C0543888, HP:0200134.

Allele frequency attached by ClinVar (database versions not stated): 1000 Genomes Project 30x 0.00062; 1000 Genomes Project 0.00080; TOPMed 0.00096; ESP Exome Variant Server 0.00144; gnomAD exomes 0.00193 and 0.00265; gnomAD 0.00230 and 0.00237; ExAC 0.00277.
gnomAD v4.1: 3,163 of 1,613,708 alleles (0.2%); highest among the groups gnomAD compares: Non-Finnish European, 0.17%; 10 homozygotes.

Submissions (3):

Blueprint Genetics
Classification: Likely benign. Last evaluated: 2024-11-21. Review status: criteria provided, single submitter. Criteria: ACMG Guidelines, 2015. Collection method: clinical testing. Allele origin: germline.

Labcorp Genetics (formerly Invitae), Labcorp
Classification: Benign for Epileptic encephalopathy. Last evaluated: 2024-05-06. Review status: criteria provided, single submitter. Criteria: Invitae Variant Classification Sherloc (09022015). Collection method: clinical testing. Allele origin: germline.

PreventionGenetics, part of Exact Sciences
Classification: Benign for RYR3-related condition. Last evaluated: 2019-09-09. Review status: no assertion criteria provided. Collection method: clinical testing. Allele origin: germline. Not counted in ClinVar's aggregate classification.
Comment: This variant is classified as benign based on ACMG/AMP sequence variant interpretation guidelines (Richards et al. 2015 PMID: 25741868, with internal and published modifications).

NM_001036.6(RYR3):c.11545A>C (p.Asn3849His)

Gene: RYR3 (ryanodine receptor 3; plus strand). Cytogenetic location: 15q14.
Variant type: single nucleotide variant.
Coding change: c.11545A>C on transcript NM_001036.6 (MANE Select); coding-DNA position 11545, A replaced by C.
Protein change: p.Asn3849His; replaces asparagine 3849 with histidine.
Molecular consequence: missense variant.
Genome position (GRCh38, 1-based): chr15:33,835,049, A>C. VCF-style: chr15-33835049-A-C. GRCh37 (hg19) VCF-style: chr15-34127250-A-C.
Other names: c.11530A>C, p.Asn3844His (NM_001243996.4); short protein forms N3849H, N3844H.
Identifiers: ClinVar variation 461844 (VCV000461844.13), dbSNP rs202181075, ClinGen allele CA7461251.